The following is an entry in ClinVar:

NM_000428.3(LTBP2):c.296C>T (p.Thr99Ile)

Gene: LTBP2 (latent transforming growth factor beta binding protein 2; minus strand). Cytogenetic location: 14q24.3.
Variant type: single nucleotide variant.
Coding change: c.296C>T on transcript NM_000428.3 (MANE Select); coding-DNA position 296, C replaced by T.
Protein change: p.Thr99Ile; replaces threonine 99 with isoleucine.
Molecular consequence: missense variant.
Genome position (GRCh38, 1-based): chr14:74,611,649, G>A on the plus strand (C>T on the coding strand, the complement: LTBP2 is on the minus strand). VCF-style: chr14-74611649-G-A. GRCh37 (hg19) VCF-style: chr14-75078352-G-A.
Other names: short protein forms T99I.
Identifiers: ClinVar variation 1994400 (VCV001994400.3), dbSNP rs751582703, ClinGen allele CA7270230.

ClinVar aggregate classification (germline): Uncertain significance (1 of 4 stars; one submission).

Allele frequency attached by ClinVar (database versions not stated): gnomAD exomes 0.00001; ExAC 0.00003.
gnomAD v4.1: 3 of 1,558,070 alleles (0.00019%); highest among the groups gnomAD compares: Non-Finnish European, 0.00026%; no homozygotes.

Submission:

Labcorp Genetics (formerly Invitae), Labcorp
Classification: Uncertain significance. Last evaluated: 2022-05-27. Review status: criteria provided, single submitter. Criteria: Invitae Variant Classification Sherloc (09022015). Collection method: clinical testing. Allele origin: germline.
Comment: In summary, the available evidence is currently insufficient to determine the role of this variant in disease. Therefore, it has been classified as a Variant of Uncertain Significance. Algorithms developed to predict the effect of missense changes on protein structure and function are either unavailable or do not agree on the potential impact of this missense change (SIFT: "Deleterious"; PolyPhen-2: "Benign"; Align-GVGD: "Class C15"). This variant has not been reported in the literature in individuals affected with LTBP2-related conditions. This variant is present in population databases (rs751582703, gnomAD 0.002%). This sequence change replaces threonine, which is neutral and polar, with isoleucine, which is neutral and non-polar, at codon 99 of the LTBP2 protein (p.Thr99Ile).